The following is an entry in ClinVar:

NM_002661.5(PLCG2):c.2236-14C>G

Gene: PLCG2 (phospholipase C gamma 2; plus strand). Cytogenetic location: 16q23.3.
Variant type: single nucleotide variant.
Coding change: c.2236-14C>G on transcript NM_002661.5 (MANE Select); 14 bases into the intron before coding-DNA position 2236, C replaced by G.
Molecular consequence: intron variant.
Genome position (GRCh38, 1-based): chr16:81,921,184, C>G. VCF-style: chr16-81921184-C-G. GRCh37 (hg19) VCF-style: chr16-81954789-C-G.
Identifiers: ClinVar variation 403323 (VCV000403323.28), dbSNP rs12446127, ClinGen allele CA8194147.

ClinVar aggregate classification (germline): Benign/Likely benign. Review status: criteria provided, multiple submitters, no conflicts (2 of 4 stars). 13 submissions from 12 submitters: Benign (8); Likely benign (2). 3 of the submissions do not count toward it. Last evaluated 2026-02-04.

Conditions:
Autoinflammation-PLCG2-associated antibody deficiency-immune dysregulation. Also called: Autoinflammation, antibody deficiency, and immune dysregulation, plcg2-associated; Autoinflammation, antibody deficiency, and immune dysregulation syndrome; AUTOINFLAMMATION, ANTIBODY DEFICIENCY, AND IMMUNE DYSREGULATION. Identifiers: Orphanet 324530, MedGen C3553961, MONDO:0013944, OMIM 614878.
Familial cold autoinflammatory syndrome 3 (FCAS3). Also called: ANTIBODY DEFICIENCY AND IMMUNE DYSREGULATION, PLCG2-ASSOCIATED; FAMILIAL ATYPICAL COLD URTICARIA. Identifiers: Orphanet 300359, MedGen C3280914, MONDO:0013766, OMIM 614468.

Allele frequency attached by ClinVar (database versions not stated): ESP Exome Variant Server 0.46815; gnomAD 0.48966; TOPMed 0.49467; 1000 Genomes Project 0.51977.
gnomAD v4.1: 841,992 of 1,490,582 alleles (56%); highest among the groups gnomAD compares: East Asian, 76%; 242,159 homozygotes.

Submissions (13):

Labcorp Genetics (formerly Invitae), Labcorp
Classification: Benign for Familial cold autoinflammatory syndrome 3. Last evaluated: 2026-02-04. Review status: criteria provided, single submitter. Criteria: Invitae Variant Classification Sherloc (09022015). Collection method: clinical testing. Allele origin: germline.

Women's Health and Genetics/Laboratory Corporation of America, LabCorp
Classification: Benign. Last evaluated: 2026-01-21. Review status: criteria provided, single submitter. Criteria: LabCorp Variant Classification Summary - May 2015. Collection method: clinical testing. Allele origin: germline.

Blueprint Genetics
Classification: Likely benign. Last evaluated: 2024-11-27. Review status: criteria provided, single submitter. Criteria: ACMG Guidelines, 2015. Collection method: clinical testing. Allele origin: germline.

Unidad de Genómica Garrahan, Hospital de Pediatría Garrahan
Classification: Benign. Last evaluated: 2023-11-12. Review status: criteria provided, single submitter. Criteria: ACMG Guidelines, 2015. Collection method: clinical testing. Allele origin: germline. Affected: no. Observed: 86 variant alleles.
Comment: This variant is classified as Benign based on local population frequency. This variant was detected in 90% of patients studied by a panel of primary immunodeficiencies. Number of patients: 86. Only high quality variants are reported.

Fulgent Genetics
Classification: Likely benign for Familial cold autoinflammatory syndrome 3; Autoinflammation-PLCG2-associated antibody deficiency-immune dysregulation. Last evaluated: 2022-03-11. Review status: criteria provided, single submitter. Criteria: ACMG Guidelines, 2015. Collection method: clinical testing. Allele origin: unknown.

Genome-Nilou Lab
Classification: Benign for Autoinflammation-PLCG2-associated antibody deficiency-immune dysregulation. Last evaluated: 2021-10-25. Review status: criteria provided, single submitter. Criteria: ACMG Guidelines, 2015. Collection method: clinical testing. Allele origin: germline. Affected: no.

Genome-Nilou Lab
Classification: Benign for Familial cold autoinflammatory syndrome 3. Last evaluated: 2021-10-25. Review status: criteria provided, single submitter. Criteria: ACMG Guidelines, 2015. Collection method: clinical testing. Allele origin: germline. Affected: no.

GeneDx
Classification: Benign. Last evaluated: 2021-05-14. Review status: criteria provided, single submitter. Criteria: GeneDx Variant Classification Process June 2021. Collection method: clinical testing. Allele origin: germline. Affected: yes.

Laboratory for Molecular Medicine, Mass General Brigham Personalized Medicine
Classification: Benign. Last evaluated: 2016-03-28. Review status: criteria provided, single submitter. Criteria: LMM Criteria. Collection method: clinical testing. Allele origin: germline.
Comment: Variant identified in a genome or exome case(s) and assessed due to predicted null impact of the variant or pathogenic assertions in the literature or databases. Disclaimer: This variant has not undergone full assessment. The following are preliminary notes: Frequency

Breakthrough Genomics
Classification: Benign. Review status: criteria provided, single submitter. Criteria: ACMG Guidelines, 2015. Collection method: not provided. Allele origin: germline. Inheritance: Autosomal dominant inheritance. Affected: yes.

Diagnostic Laboratory, Department of Genetics, University Medical Center Groningen
Classification: Benign. Review status: no assertion criteria provided. Collection method: clinical testing. Allele origin: germline. Affected: yes. Study: VKGL Data-share Consensus. Not counted in ClinVar's aggregate classification.

Genome Diagnostics Laboratory, University Medical Center Utrecht
Classification: Benign. Review status: no assertion criteria provided. Collection method: clinical testing. Allele origin: germline. Affected: yes. Study: VKGL Data-share Consensus. Not counted in ClinVar's aggregate classification.

Joint Genome Diagnostic Labs from Nijmegen and Maastricht, Radboudumc and MUMC+
Classification: Benign. Review status: no assertion criteria provided. Collection method: clinical testing. Allele origin: germline. Affected: yes. Study: VKGL Data-share Consensus. Not counted in ClinVar's aggregate classification.